The following is an entry in ClinVar:

NM_003477.3(PDHX):c.769C>A (p.Arg257=)

Gene: PDHX (pyruvate dehydrogenase complex component X; plus strand). Cytogenetic location: 11p13.
Variant type: single nucleotide variant.
Coding change: c.769C>A on transcript NM_003477.3 (MANE Select); coding-DNA position 769, C replaced by A.
Protein change: p.Arg257=; no amino-acid change (arginine 257 retained).
Molecular consequence: synonymous variant. On other transcripts: intron variant (1).
Genome position (GRCh38, 1-based): chr11:34,966,767, C>A. VCF-style: chr11-34966767-C-A. GRCh37 (hg19) VCF-style: chr11-34988314-C-A.
Other names: c.589C>A, p.Arg197= (NM_001135024.2); c.343-17803C>A (NM_001166158.2).
Identifiers: ClinVar variation 512984 (VCV000512984.1), dbSNP rs768910663, ClinGen allele CA473615568.

ClinVar aggregate classification (germline): Likely benign (1 of 4 stars; one submission).

gnomAD v4.1: 2 of 1,614,018 alleles (0.00012%); highest among the groups gnomAD compares: African/African-American, 0.0027%; no homozygotes.

Submission:

GeneDx
Classification: Likely benign. Last evaluated: 2017-11-01. Review status: criteria provided, single submitter. Criteria: GeneDx Variant Classification (06012015). Collection method: clinical testing. Allele origin: germline. Affected: yes.
Comment: This variant is considered likely benign or benign based on one or more of the following criteria: it is a conservative change, it occurs at a poorly conserved position in the protein, it is predicted to be benign by multiple in silico algorithms, and/or has population frequency not consistent with disease.